The following is an entry in ClinVar:

NM_013339.4(ALG6):c.816+4T>C

Gene: ALG6 (ALG6 alpha-1,3-glucosyltransferase; plus strand). Cytogenetic location: 1p31.3.
Variant type: single nucleotide variant.
Coding change: c.816+4T>C on transcript NM_013339.4 (MANE Select); 4 bases into the intron after coding-DNA position 816, T replaced by C.
Molecular consequence: intron variant.
Genome position (GRCh38, 1-based): chr1:63,412,065, T>C. VCF-style: chr1-63412065-T-C. GRCh37 (hg19) VCF-style: chr1-63877736-T-C.
Identifiers: ClinVar variation 1415420 (VCV001415420.3), dbSNP rs762931650, ClinGen allele CA888261.

ClinVar aggregate classification (germline): Uncertain significance (1 of 4 stars; one submission).

Conditions:
ALG6-congenital disorder of glycosylation 1C (CDG1C). Also called: CARBOHYDRATE-DEFICIENT GLYCOPROTEIN SYNDROME, TYPE I, WITH DEFICIENT GLYCOSYLATION OF DOLICHOL-LINKED OLIGOSACCHARIDE; CARBOHYDRATE-DEFICIENT GLYCOPROTEIN SYNDROME, TYPE V; Congenital disorder of glycosylation type 1C; Congenital disorder of glycosylation, type Ic; CDG Ic. Identifiers: Orphanet 79320, MedGen C2930997, MONDO:0011291, OMIM 603147.

Allele frequency attached by ClinVar (database versions not stated): gnomAD exomes below 0.00001 and 0.00001; ExAC 0.00002.
gnomAD v4.1: 5 of 1,613,962 alleles (0.00031%); highest among the groups gnomAD compares: East Asian, 0.0067%; no homozygotes.

Submission:

Labcorp Genetics (formerly Invitae), Labcorp
Classification: Uncertain significance for ALG6-congenital disorder of glycosylation 1C. Last evaluated: 2022-08-09. Review status: criteria provided, single submitter. Criteria: Invitae Variant Classification Sherloc (09022015). Collection method: clinical testing. Allele origin: germline.
Comment: This sequence change falls in intron 9 of the ALG6 gene. It does not directly change the encoded amino acid sequence of the ALG6 protein. It affects a nucleotide within the consensus splice site. This variant is present in population databases (rs762931650, gnomAD 0.01%). This variant has not been reported in the literature in individuals affected with ALG6-related conditions. ClinVar contains an entry for this variant (Variation ID: 1415420). Variants that disrupt the consensus splice site are a relatively common cause of aberrant splicing (PMID: 17576681, 9536098). Algorithms developed to predict the effect of sequence changes on RNA splicing suggest that this variant is not likely to affect RNA splicing. In summary, the available evidence is currently insufficient to determine the role of this variant in disease. Therefore, it has been classified as a Variant of Uncertain Significance.

Literature cited by the submitters: PubMed 17576681; PubMed 9536098.